The following is an entry in ClinVar:

ClinVar aggregate classification (germline): Uncertain significance (1 of 4 stars; one submission).

gnomAD v4.1: 4 of 1,612,734 alleles (0.00025%); highest among the groups gnomAD compares: Admixed American, 0.0033%; no homozygotes.

Submission:

Labcorp Genetics (formerly Invitae), Labcorp
Classification: Uncertain significance. Last evaluated: 2022-08-31. Review status: criteria provided, single submitter. Criteria: Invitae Variant Classification Sherloc (09022015). Collection method: clinical testing. Allele origin: germline.
Comment: In summary, the available evidence is currently insufficient to determine the role of this variant in disease. Therefore, it has been classified as a Variant of Uncertain Significance. Algorithms developed to predict the effect of missense changes on protein structure and function are either unavailable or do not agree on the potential impact of this missense change (SIFT: "Tolerated"; PolyPhen-2: "Possibly Damaging"; Align-GVGD: "Class C0"). This variant has not been reported in the literature in individuals affected with ARNT2-related conditions. This variant is present in population databases (rs370124029, gnomAD 0.004%). This sequence change replaces arginine, which is basic and polar, with methionine, which is neutral and non-polar, at codon 262 of the ARNT2 protein (p.Arg262Met).

NM_014862.4(ARNT2):c.785G>T (p.Arg262Met)

Gene: ARNT2 (aryl hydrocarbon receptor nuclear translocator 2; plus strand). Cytogenetic location: 15q25.1.
Variant type: single nucleotide variant.
Coding change: c.785G>T on transcript NM_014862.4 (MANE Select); coding-DNA position 785, G replaced by T.
Protein change: p.Arg262Met; replaces arginine 262 with methionine.
Molecular consequence: missense variant.
Genome position (GRCh38, 1-based): chr15:80,513,970, G>T. VCF-style: chr15-80513970-G-T. GRCh37 (hg19) VCF-style: chr15-80806311-G-T.
Other names: short protein forms R262M.
Identifiers: ClinVar variation 1937678 (VCV001937678.5), dbSNP rs370124029, ClinGen allele CA7691794.